The following is an entry in ClinVar:

NM_000188.3(HK1):c.766T>C (p.Cys256Arg)

Gene: HK1 (hexokinase 1; plus strand). Cytogenetic location: 10q22.1.
Variant type: single nucleotide variant.
Coding change: c.766T>C on transcript NM_000188.3 (MANE Select); coding-DNA position 766, T replaced by C.
Protein change: p.Cys256Arg; replaces cysteine 256 with arginine.
Molecular consequence: missense variant.
Genome position (GRCh38, 1-based): chr10:69,369,515, T>C. VCF-style: chr10-69369515-T-C. GRCh37 (hg19) VCF-style: chr10-71129271-T-C.
Other names: c.778T>C, p.Cys260Arg (NM_001322364.2, NM_001358263.1, NM_033497.3 and 1 more transcripts); c.871T>C, p.Cys291Arg (NM_001322365.2); c.682T>C, p.Cys228Arg (NM_001322366.1); c.670T>C, p.Cys224Arg (NM_001322367.1); c.763T>C, p.Cys255Arg (NM_033496.3); c.730T>C, p.Cys244Arg (NM_033500.2); short protein forms C224R, C244R, C256R, C260R, C228R, C255R, C291R.
Identifiers: ClinVar variation 1347356 (VCV001347356.8), dbSNP rs998184593, ClinGen allele CA209238750.

ClinVar aggregate classification (germline): Uncertain significance (1 of 4 stars; one submission).

Allele frequency attached by ClinVar (database versions not stated): gnomAD exomes below 0.00001 and 0.00001; gnomAD 0.00001; TOPMed 0.00002.
gnomAD v4.1: 5 of 1,614,058 alleles (0.00031%); highest among the groups gnomAD compares: Admixed American, 0.005%; no homozygotes.

Submission:

Labcorp Genetics (formerly Invitae), Labcorp
Classification: Uncertain significance. Last evaluated: 2023-08-27. Review status: criteria provided, single submitter. Criteria: Invitae Variant Classification Sherloc (09022015). Collection method: clinical testing. Allele origin: germline.
Comment: In summary, the available evidence is currently insufficient to determine the role of this variant in disease. Therefore, it has been classified as a Variant of Uncertain Significance. Advanced modeling of protein sequence and biophysical properties (such as structural, functional, and spatial information, amino acid conservation, physicochemical variation, residue mobility, and thermodynamic stability) performed at Invitae indicates that this missense variant is expected to disrupt HK1 protein function. ClinVar contains an entry for this variant (Variation ID: 1347356). This variant has not been reported in the literature in individuals affected with HK1-related conditions. This variant is present in population databases (no rsID available, gnomAD 0.003%). This sequence change replaces cysteine, which is neutral and slightly polar, with arginine, which is basic and polar, at codon 256 of the HK1 protein (p.Cys256Arg).